The following is an entry in ClinVar:

ClinVar aggregate classification (germline): Uncertain significance (1 of 4 stars; one submission).

Conditions:
Hereditary cancer-predisposing syndrome. Also called: Neoplastic Syndromes, Hereditary; Tumor predisposition; Hereditary Cancer Syndrome; Hereditary neoplastic syndrome. Identifiers: Orphanet 140162, MedGen C0027672, MeSH D009386, MONDO:0015356.

Submission:

Ambry Genetics
Classification: Uncertain significance for Hereditary cancer-predisposing syndrome. Last evaluated: 2025-03-21. Review status: criteria provided, single submitter. Criteria: Ambry Variant Classification Scheme 2023. Collection method: clinical testing. Allele origin: germline.
Comment: The c.9061_9075dup15 variant (also known as p.E3021_V3025dup), located in coding exon 62 of the ATM gene, results from an in-frame duplication of 15 nucleotides at nucleotide positions 9061 to 9075. This results in the duplication of 5 extra residues (EEGTV) between codons 3021 and 3025. This amino acid region is well conserved in available vertebrate species. In addition, this alteration is predicted to be deleterious by in silico analysis (Choi Y et al. PLoS ONE. 2012; 7(10):e46688). Based on the available evidence, the clinical significance of this variant remains unclear.

NM_000051.4(ATM):c.9061_9075dup (p.Val3025_Leu3026insGluGluGlyThrVal)

Genes: ATM (ATM serine/threonine kinase; plus strand), C11orf65 (chromosome 11 open reading frame 65; minus strand). Cytogenetic location: 11q22.3.
Variant type: Duplication.
Coding change: c.9061_9075dup on transcript NM_000051.4 (MANE Select); coding-DNA positions 9061 to 9075, 15 bases duplicated (GAAGAAGGCACTGTG).
Protein change: p.Val3025_Leu3026insGluGluGlyThrVal.
Molecular consequence: inframe insertion. On other transcripts: inframe indel (1), intron variant (2).
Genome position (GRCh38, 1-based): chr11:108,365,398-108,365,412, GAAGAAGGCACTGTG duplicated; duplicating any 15 consecutive bases within chr11:108,365,395-108,365,412 gives the same sequence; the c. name uses the placement nearest the transcript's 3' end. VCF-style (leftmost placement, unchanged base first): chr11-108365394-A-AGTGGAAGAAGGCACT. GRCh37 (hg19) VCF-style: chr11-108236121-A-AGTGGAAGAAGGCACT.
Other names: c.9061_9075dupGAAGAAGGCACTGTG (NM_000051.3); c.9061_9075dup, p.Val3025_Leu3026insGluGluGlyThrVal (NM_001351834.2); c.640+20511_640+20525dup (NM_001330368.2); c.694+20511_694+20525dup (NM_001351110.2).
Identifiers: ClinVar variation 3965725 (VCV003965725.1).